The following is an entry in ClinVar:

NM_201384.3(PLEC):c.7570G>T (p.Val2524Leu)

Gene: PLEC (plectin; minus strand). Cytogenetic location: 8q24.3.
Variant type: single nucleotide variant.
Coding change: c.7570G>T on transcript NM_201384.3 (MANE Select); coding-DNA position 7570, G replaced by T.
Protein change: p.Val2524Leu; replaces valine 2524 with leucine.
Molecular consequence: missense variant.
Genome position (GRCh38, 1-based): chr8:143,922,251, C>A on the plus strand (G>T on the coding strand, the complement: PLEC is on the minus strand). VCF-style: chr8-143922251-C-A. GRCh37 (hg19) VCF-style: chr8-144996419-C-A.
Other names: c.7651G>T, p.Val2551Leu (NM_000445.5); c.4270G>T, p.Val1424Leu (NM_001410941.1); c.7528G>T, p.Val2510Leu (NM_201378.4); c.7504G>T, p.Val2502Leu (NM_201379.3); c.7981G>T, p.Val2661Leu (NM_201380.4); c.7474G>T, p.Val2492Leu (NM_201381.3); c.7570G>T, p.Val2524Leu (NM_201382.4); c.7582G>T, p.Val2528Leu (NM_201383.3); short protein forms V2502L, V2528L, V2551L, V2661L, V2510L, V2524L, V1424L, V2492L.
Identifiers: ClinVar variation 1899265 (VCV001899265.5), dbSNP rs2537573196, ClinGen allele CA372524413.

ClinVar aggregate classification (germline): Uncertain significance (1 of 4 stars; one submission).

Conditions:
Epidermolysis bullosa simplex 5B, with muscular dystrophy (EBS5B). Also called: EPIDERMOLYSIS BULLOSA SIMPLEX AND LIMB-GIRDLE MUSCULAR DYSTROPHY; Epidermolysis bullosa simplex with muscular dystrophy. Identifiers: Orphanet 257, MedGen C2931072, MONDO:0009181, OMIM 226670.
Epidermolysis bullosa simplex, Ogna type (EBS5A). Also called: Pidermolysis bullosa simplex 5A, Ogna type; EPIDERMOLYSIS BULLOSA SIMPLEX 5A, OGNA TYPE. Identifiers: Orphanet 79401, MedGen C0432317, MONDO:0007555, OMIM 131950.
Epidermolysis bullosa simplex with nail dystrophy (EBS5D). Identifiers: MedGen C4225309, MONDO:0014661, OMIM 616487.
Autosomal recessive limb-girdle muscular dystrophy type 2Q (LGMDR17). Also called: MUSCULAR DYSTROPHY, LIMB-GIRDLE, AUTOSOMAL RECESSIVE 17. Identifiers: Orphanet 254361, MedGen C3150989, MONDO:0013390, OMIM 613723.
Epidermolysis bullosa simplex 5C, with pyloric atresia (EBS5C). Also called: PLEC1-Related Epidermolysis Bullosa with Pyloric Atresia; Epidermolysis bullosa simplex with pyloric atresia; PLEC-Related Epidermolysis Bullosa with Pyloric Atresia. Identifiers: Orphanet 158684, MedGen C2677349, MONDO:0012807, OMIM 612138.

Submission:

Labcorp Genetics (formerly Invitae), Labcorp
Classification: Uncertain significance for Autosomal recessive limb-girdle muscular dystrophy type 2Q; Epidermolysis bullosa simplex, Ogna type; Epidermolysis bullosa simplex with nail dystrophy; Epidermolysis bullosa simplex 5C, with pyloric atresia; Epidermolysis bullosa simplex 5B, with muscular dystrophy. Last evaluated: 2022-06-25. Review status: criteria provided, single submitter. Criteria: Invitae Variant Classification Sherloc (09022015). Collection method: clinical testing. Allele origin: germline.
Comment: This variant has not been reported in the literature in individuals affected with PLEC-related conditions. This sequence change replaces valine, which is neutral and non-polar, with leucine, which is neutral and non-polar, at codon 2551 of the PLEC protein (p.Val2551Leu). This variant is not present in population databases (gnomAD no frequency). Algorithms developed to predict the effect of missense changes on protein structure and function are either unavailable or do not agree on the potential impact of this missense change (SIFT: "Tolerated"; PolyPhen-2: "Possibly Damaging"; Align-GVGD: "Class C0"). In summary, the available evidence is currently insufficient to determine the role of this variant in disease. Therefore, it has been classified as a Variant of Uncertain Significance.